The following is an entry in ClinVar:

ClinVar aggregate classification (germline): Uncertain significance. Review status: criteria provided, multiple submitters, no conflicts (2 of 4 stars). 6 submissions from 6 submitters: Uncertain significance (5). 1 of the submissions does not count toward it. Last evaluated 2024-11-06.

Conditions:
Inborn genetic diseases. Identifiers: MedGen C0950123, MeSH D030342.
Usher syndrome type 1 (USH1). Also called: RETINITIS PIGMENTOSA AND CONGENITAL DEAFNESS. Identifiers: Orphanet 231169, Orphanet 886, MedGen C1568247, MONDO:0010168, OMIM 276900.

Allele frequency attached by ClinVar (database versions not stated): TOPMed 0.00002; gnomAD exomes 0.00004; ExAC 0.00005; ESP Exome Variant Server 0.00008.
gnomAD v4.1: 33 of 1,613,832 alleles (0.002%); highest among the groups gnomAD compares: Admixed American, 0.005%; no homozygotes.

Submissions (6):

GeneDx
Classification: Uncertain significance. Last evaluated: 2024-11-06. Review status: criteria provided, single submitter. Criteria: GeneDx Variant Classification Process June 2021. Collection method: clinical testing. Allele origin: germline. Affected: yes.
Comment: In silico analysis supports that this missense variant has a deleterious effect on protein structure/function; Has not been previously published as pathogenic or benign to our knowledge

Blueprint Genetics
Classification: Uncertain significance. Last evaluated: 2024-10-21. Review status: criteria provided, single submitter. Criteria: ACMG Guidelines, 2015. Collection method: clinical testing. Allele origin: germline.

Ambry Genetics
Classification: Uncertain significance for Inborn genetic diseases. Last evaluated: 2021-10-05. Review status: criteria provided, single submitter. Criteria: Ambry Variant Classification Scheme 2023. Collection method: clinical testing. Allele origin: germline.

Labcorp Genetics (formerly Invitae), Labcorp
Classification: Uncertain significance. Last evaluated: 2021-09-24. Review status: criteria provided, single submitter. Criteria: Invitae Variant Classification Sherloc (09022015). Collection method: clinical testing. Allele origin: germline.
Comment: This sequence change replaces glycine with arginine at codon 2539 of the CDH23 protein (p.Gly2539Arg). The glycine residue is highly conserved and there is a moderate physicochemical difference between glycine and arginine. This variant is present in population databases (rs373649718, ExAC 0.009%). This variant has not been reported in the literature in individuals with CDH23-related conditions. ClinVar contains an entry for this variant (Variation ID: 46035). Algorithms developed to predict the effect of missense changes on protein structure and function are either unavailable or do not agree on the potential impact of this missense change (SIFT: "Deleterious"; PolyPhen-2: "Not Available"; Align-GVGD: "Class C15"). In summary, the available evidence is currently insufficient to determine the role of this variant in disease. Therefore, it has been classified as a Variant of Uncertain Significance.

Laboratory for Molecular Medicine, Mass General Brigham Personalized Medicine
Classification: Uncertain significance. Last evaluated: 2012-08-28. Review status: criteria provided, single submitter. Criteria: LMM Criteria. Collection method: clinical testing. Allele origin: germline. Observed: 1 variant allele.
Comment: The Gly2539Arg variant in CDH23 has not been reported in the literature nor prev iously identified by our laboratory. This variant has been identified in 1/8346 (0.01%) European American chromosomes from a broad, though clinically unspecifie d population (NHLBI Exome Sequencing Project). Although this variant has been seen in the general population, its frequency is not high enough to rule out a pathogenic role. Computational analyses (biochemi cal amino acid properties, conservation, AlignGVGD, PolyPhen2, and SIFT) suggest that the Gly2539Arg variant may impact the protein, though this information is not predictive enough to determine pathogenicity. In summary, additional data is needed to determine the clinical significance of this variant.

Natera, Inc.
Classification: Uncertain significance for Usher syndrome type 1. Last evaluated: 2019-10-28. Review status: no assertion criteria provided. Collection method: clinical testing. Allele origin: germline. Not counted in ClinVar's aggregate classification.

NM_022124.6(CDH23):c.7615G>C (p.Gly2539Arg)

Gene: CDH23 (cadherin related 23; plus strand). Cytogenetic location: 10q22.1.
Variant type: single nucleotide variant.
Coding change: c.7615G>C on transcript NM_022124.6 (MANE Select); coding-DNA position 7615, G replaced by C.
Protein change: p.Gly2539Arg; replaces glycine 2539 with arginine.
Molecular consequence: missense variant.
Genome position (GRCh38, 1-based): chr10:71,803,030, G>C. VCF-style: chr10-71803030-G-C. GRCh37 (hg19) VCF-style: chr10-73562787-G-C.
Other names: c.895G>C, p.Gly299Arg (NM_001171933.1, NM_001171934.1); short protein forms G2539R, G299R.
Identifiers: ClinVar variation 46035 (VCV000046035.9), dbSNP rs373649718, ClinGen allele CA137577.